The following is an entry in ClinVar:

ClinVar aggregate classification (germline): Uncertain significance. Review status: criteria provided, multiple submitters, no conflicts (2 of 4 stars). 2 submissions from 2 submitters: Uncertain significance (2). Last evaluated 2024-08-15.

Conditions:
Myoclonic dystonia 11 (DYT11). Also called: DYT-SGCE; Myoclonic dystonia; Dystonia 11; Dystonia, alcohol responsive; Hereditary essential myoclonus; SGCE Myoclonus-Dystonia. Identifiers: Orphanet 36899, MedGen C1834570, MONDO:0008044, OMIM 159900.

Allele frequency attached by ClinVar (database versions not stated): gnomAD exomes below 0.00001 and 0.00001; TOPMed 0.00001.
gnomAD v4.1: 5 of 1,613,234 alleles (0.00031%); highest among the groups gnomAD compares: African/African-American, 0.004%; no homozygotes.

Submissions (2):

GeneDx
Classification: Uncertain significance. Last evaluated: 2024-08-15. Review status: criteria provided, single submitter. Criteria: GeneDx Variant Classification Process June 2021. Collection method: clinical testing. Allele origin: germline. Affected: yes.
Comment: Not observed at significant frequency in large population cohorts (gnomAD); In silico analysis supports that this missense variant has a deleterious effect on protein structure/function; Has not been previously published as pathogenic or benign to our knowledge

Labcorp Genetics (formerly Invitae), Labcorp
Classification: Uncertain significance for Myoclonic dystonia 11. Last evaluated: 2022-08-31. Review status: criteria provided, single submitter. Criteria: Invitae Variant Classification Sherloc (09022015). Collection method: clinical testing. Allele origin: germline.
Comment: In summary, the available evidence is currently insufficient to determine the role of this variant in disease. Therefore, it has been classified as a Variant of Uncertain Significance. Algorithms developed to predict the effect of missense changes on protein structure and function are either unavailable or do not agree on the potential impact of this missense change (SIFT: "Deleterious"; PolyPhen-2: "Probably Damaging"; Align-GVGD: "Class C0"). ClinVar contains an entry for this variant (Variation ID: 1037970). This variant has not been reported in the literature in individuals affected with SGCE-related conditions. This variant is present in population databases (no rsID available, gnomAD 0.003%). This sequence change replaces serine, which is neutral and polar, with proline, which is neutral and non-polar, at codon 385 of the SGCE protein (p.Ser385Pro).

NM_003919.3(SGCE):c.1153T>C (p.Ser385Pro)

Genes: CASD1 (CAS1 domain sialic acid O acetyltransferase 1; plus strand), SGCE (sarcoglycan epsilon; minus strand). Cytogenetic location: 7q21.3.
Variant type: single nucleotide variant.
Coding change: c.1153T>C on transcript NM_003919.3 (MANE Select); coding-DNA position 1153, T replaced by C.
Protein change: p.Ser385Pro; replaces serine 385 with proline.
Molecular consequence: missense variant.
Genome position (GRCh38, 1-based): chr7:94,598,875, A>G on the plus strand (T>C on the coding strand, the complement: SGCE is on the minus strand). VCF-style: chr7-94598875-A-G. GRCh37 (hg19) VCF-style: chr7-94228187-A-G.
Other names: c.1126T>C, p.Ser376Pro (NM_001099400.2, NM_001346717.2); c.1153T>C, p.Ser385Pro (NM_001099401.2); c.1030T>C, p.Ser344Pro (NM_001301139.2); c.1261T>C, p.Ser421Pro (NM_001346713.2); c.1234T>C, p.Ser412Pro (NM_001346715.2); c.1066T>C, p.Ser356Pro (NM_001346719.2); c.880T>C, p.Ser294Pro (NM_001346720.2); c.1039T>C, p.Ser347Pro (NM_001362807.2); and 3 more; short protein forms S294P, S335P, S385P, S285P, S344P, S376P, S412P, S347P.
Identifiers: ClinVar variation 1037970 (VCV001037970.8), dbSNP rs1274760811, ClinGen allele CA368229029.